The following is an entry in ClinVar:

NM_002386.4(MC1R):c.325C>T (p.Arg109Trp)

Gene: MC1R (melanocortin 1 receptor; plus strand). Cytogenetic location: 16q24.3.
Variant type: single nucleotide variant.
Coding change: c.325C>T on transcript NM_002386.4 (MANE Select); coding-DNA position 325, C replaced by T.
Protein change: p.Arg109Trp; replaces arginine 109 with tryptophan.
Molecular consequence: missense variant.
Genome position (GRCh38, 1-based): chr16:89,919,583, C>T. VCF-style: chr16-89919583-C-T. GRCh37 (hg19) VCF-style: chr16-89985991-C-T.
Other names: short protein forms R109W.
Identifiers: ClinVar variation 321426 (VCV000321426.13), dbSNP rs546618600, ClinGen allele CA8255558.

ClinVar aggregate classification (germline): Conflicting classifications of pathogenicity. Review status: criteria provided, conflicting classifications (1 of 4 stars). 2 submissions from 2 submitters: Uncertain significance (1); Likely benign (1). Last evaluated 2024-09-30.

Conditions:
Melanoma, cutaneous malignant, susceptibility to, 5. Also called: Cutaneous malignant melanoma 5. Identifiers: Orphanet 618, MedGen C2751295, MONDO:0013133, OMIM 613099.

Allele frequency attached by ClinVar (database versions not stated): ExAC 0.00002; TOPMed 0.00004; gnomAD 0.00005 and 0.00006; gnomAD exomes 0.00005; 1000 Genomes Project 30x 0.00016; 1000 Genomes Project 0.00020.

Submissions (2):

Labcorp Genetics (formerly Invitae), Labcorp
Classification: Uncertain significance for Melanoma, cutaneous malignant, susceptibility to, 5. Last evaluated: 2024-09-30. Review status: criteria provided, single submitter. Criteria: Invitae Variant Classification Sherloc (09022015). Collection method: clinical testing. Allele origin: germline.
Comment: This sequence change replaces arginine, which is basic and polar, with tryptophan, which is neutral and slightly polar, at codon 109 of the MC1R protein (p.Arg109Trp). This variant is present in population databases (rs546618600, gnomAD 0.02%). This variant has not been reported in the literature in individuals affected with MC1R-related conditions. ClinVar contains an entry for this variant (Variation ID: 321426). Invitae Evidence Modeling of protein sequence and biophysical properties (such as structural, functional, and spatial information, amino acid conservation, physicochemical variation, residue mobility, and thermodynamic stability) indicates that this missense variant is not expected to disrupt MC1R protein function with a negative predictive value of 80%. In summary, the available evidence is currently insufficient to determine the role of this variant in disease. Therefore, it has been classified as a Variant of Uncertain Significance.

Illumina Laboratory Services, Illumina
Classification: Likely benign for Melanoma, cutaneous malignant, susceptibility to, 5. Last evaluated: 2017-04-27. Review status: criteria provided, single submitter. Criteria: ICSL Variant Classification Criteria 13 December 2019. Collection method: clinical testing. Allele origin: germline.
Comment: This variant was observed as part of a predisposition screen in an ostensibly healthy population. A literature search was performed for the gene, cDNA change, and amino acid change (where applicable). Publications were found based on this search. The evidence from the literature, in combination with allele frequency data from public databases where available, was sufficient to determine this variant is unlikely to cause disease. Therefore, this variant is classified as likely benign.

Literature cited by the submitters: PubMed 17316231 (cited by Illumina Laboratory Services, Illumina).